The following is an entry in ClinVar:

NM_000719.7(CACNA1C):c.2853+457C>T

Gene: CACNA1C (calcium voltage-gated channel subunit alpha1 C; plus strand). Cytogenetic location: 12p13.33.
Variant type: single nucleotide variant.
Coding change: c.2853+457C>T on transcript NM_000719.7 (MANE Select); 457 bases into the intron after coding-DNA position 2853, C replaced by T.
Molecular consequence: intron variant.
Genome position (GRCh38, 1-based): chr12:2,597,746, C>T. VCF-style: chr12-2597746-C-T. GRCh37 (hg19) VCF-style: chr12-2706912-C-T.
Other names: c.2853+457C>T (NM_001167624.3, NM_001167623.2, NM_001167625.2 and 7 more transcripts); c.2853+250C>T (NM_001129840.2, NM_001129836.2, NM_001129841.2 and 5 more transcripts); c.2913+250C>T (NM_199460.4, NM_001129827.2, NM_001129832.2); c.2844+457C>T (NM_001129844.2).
Identifiers: ClinVar variation 683276 (VCV000683276.5), dbSNP rs215984, ClinGen allele CA13732622.

ClinVar aggregate classification (germline): Benign. Review status: criteria provided, multiple submitters, no conflicts (2 of 4 stars). 2 submissions from 2 submitters: Benign (2). Last evaluated 2019-12-31.

Conditions:
Long QT syndrome (LQTS). Identifiers: MedGen C0023976, MeSH D008133, MONDO:0002442. Disease mechanism: loss of function. Inheritance: Various modes of inheritance.

Allele frequency attached by ClinVar (database versions not stated): gnomAD 0.17782 and 0.18216; TOPMed 0.18471; 1000 Genomes Project 30x 0.21112; 1000 Genomes Project 0.21526.
gnomAD v4.1: 27,678 of 152,120 alleles (18%); highest among the groups gnomAD compares: East Asian, 30%; 2,626 homozygotes.

Submissions (2):

Labcorp Genetics (formerly Invitae), Labcorp
Classification: Benign for Long QT syndrome. Last evaluated: 2019-12-31. Review status: criteria provided, single submitter. Criteria: Invitae Variant Classification Sherloc (09022015). Collection method: clinical testing. Allele origin: germline.

GeneDx
Classification: Benign. Last evaluated: 2018-06-19. Review status: criteria provided, single submitter. Criteria: GeneDx Variant Classification (06012015). Collection method: clinical testing. Allele origin: germline. Affected: yes.
Comment: This variant is considered likely benign or benign based on one or more of the following criteria: it is a conservative change, it occurs at a poorly conserved position in the protein, it is predicted to be benign by multiple in silico algorithms, and/or has population frequency not consistent with disease.